The following is an entry in ClinVar:

ClinVar aggregate classification (germline): Likely pathogenic. Review status: criteria provided, single submitter (1 of 4 stars). 2 submissions from 2 submitters: Likely pathogenic (1). 1 of the submissions does not count toward it. Last evaluated 2025-09-08.

Conditions:
Hepatoencephalopathy due to combined oxidative phosphorylation defect type 1. Also called: HEPATOENCEPHALOPATHY, EARLY FATAL PROGRESSIVE. Identifiers: Orphanet 137681, MedGen C1836797, MONDO:0012191, OMIM 609060.

Submissions (2):

Natera, Inc.
Classification: Likely pathogenic for Combined oxidative phosphorylation deficiency 1. Last evaluated: 2025-09-08. Review status: criteria provided, single submitter. Criteria: Natera Variant Classification Schema (03/2026). Collection method: clinical testing. Allele origin: germline.
Comment: The c.1487T>G variant in GFM1 is a missense variant predicted to cause substitution of methionine to arginine at amino acid 496. This variant is rare in the general population with a frequency below the threshold expected for the associated phenotype(s). This variant has been observed in one or more individuals affected with the associated recessive disease, as either homozygous or compound heterozygous with a second variant (PMID: 17160893). Functional studies show that this variant may disrupt protein function (PMID: 17160893). Computational prediction algorithms indicate this variant is likely to affect gene or protein function. Given the available evidence, this variant is classified as Likely Pathogenic.

OMIM
Classification: Pathogenic for COMBINED OXIDATIVE PHOSPHORYLATION DEFICIENCY 1. Last evaluated: 2007-01-01. Review status: no assertion criteria provided. Collection method: literature only. Allele origin: germline. Not counted in ClinVar's aggregate classification.

Literature cited by the submitters: PubMed 17160893 (cited by Natera, Inc. and OMIM).

NM_024996.7(GFM1):c.1487T>G (p.Met496Arg)

Gene: GFM1 (G elongation factor mitochondrial 1; plus strand). Cytogenetic location: 3q25.32.
Variant type: single nucleotide variant.
Coding change: c.1487T>G on transcript NM_024996.7 (MANE Select); coding-DNA position 1487, T replaced by G.
Protein change: p.Met496Arg; replaces methionine 496 with arginine.
Molecular consequence: missense variant. On other transcripts: non-coding transcript variant (4).
Genome position (GRCh38, 1-based): chr3:158,665,443, T>G. VCF-style: chr3-158665443-T-G. GRCh37 (hg19) VCF-style: chr3-158383232-T-G.
Other names: c.1544T>G, p.Met515Arg (NM_001308164.2); c.1487T>G, p.Met496Arg (NM_001308166.2); c.1406T>G, p.Met469Arg (NM_001374355.1); c.1370T>G, p.Met457Arg (NM_001374356.1); c.1262T>G, p.Met421Arg (NM_001374357.1); c.1028T>G, p.Met343Arg (NM_001374358.1); c.920T>G, p.Met307Arg (NM_001374359.1, NM_001374360.1); c.803T>G, p.Met268Arg (NM_001374361.1); and 1 more; short protein forms M496R, M515R, M268R, M307R, M343R, M421R, M457R, M469R.
Identifiers: ClinVar variation 4162 (VCV000004162.2), dbSNP rs119470020, ClinGen allele CA210487.